The following is an entry in ClinVar:

ClinVar aggregate classification (germline): Uncertain significance (1 of 4 stars; one submission).

Allele frequency attached by ClinVar (database versions not stated): gnomAD exomes below 0.00001.
gnomAD v4.1: 4 of 1,590,504 alleles (0.00025%); highest among the groups gnomAD compares: Middle Eastern, 0.033%; no homozygotes.

Submission:

Labcorp Genetics (formerly Invitae), Labcorp
Classification: Uncertain significance. Last evaluated: 2023-04-12. Review status: criteria provided, single submitter. Criteria: Invitae Variant Classification Sherloc (09022015). Collection method: clinical testing. Allele origin: germline.
Comment: In summary, the available evidence is currently insufficient to determine the role of this variant in disease. Therefore, it has been classified as a Variant of Uncertain Significance. This variant has not been reported in the literature in individuals affected with POLR3F-related conditions. This variant is present in population databases (no rsID available, gnomAD 0.0009%). This sequence change falls in intron 7 of the POLR3F gene. It does not directly change the encoded amino acid sequence of the POLR3F protein.

NM_006466.4(POLR3F):c.682-5T>G

Gene: POLR3F (RNA polymerase III subunit F; plus strand). Cytogenetic location: 20p11.23.
Variant type: single nucleotide variant.
Coding change: c.682-5T>G on transcript NM_006466.4 (MANE Select); 5 bases into the intron before coding-DNA position 682, T replaced by G.
Molecular consequence: intron variant.
Genome position (GRCh38, 1-based): chr20:18,481,614, T>G. VCF-style: chr20-18481614-T-G. GRCh37 (hg19) VCF-style: chr20-18462258-T-G.
Other names: c.559-5T>G (NM_001282526.2); c.538-5T>G (NM_001410821.1).
Identifiers: ClinVar variation 2873305 (VCV002873305.3), dbSNP rs1184940592, ClinGen allele CA634860573.